The following is an entry in ClinVar:

NM_152383.5(DIS3L2):c.2338C>G (p.Gln780Glu)

Gene: DIS3L2 (DIS3 like 3'-5' exoribonuclease 2; plus strand). Cytogenetic location: 2q37.1.
Variant type: single nucleotide variant.
Coding change: c.2338C>G on transcript NM_152383.5 (MANE Select); coding-DNA position 2338, C replaced by G.
Protein change: p.Gln780Glu; replaces glutamine 780 with glutamic acid.
Molecular consequence: missense variant. On other transcripts: non-coding transcript variant (2), intron variant (1).
Genome position (GRCh38, 1-based): chr2:232,334,679, C>G. VCF-style: chr2-232334679-C-G. GRCh37 (hg19) VCF-style: chr2-233199389-C-G.
Other names: c.1582-8666C>G (NM_001257281.2); short protein forms Q780E.
Identifiers: ClinVar variation 855180 (VCV000855180.11), dbSNP rs1179634888, ClinGen allele CA350978007.

ClinVar aggregate classification (germline): Uncertain significance. Review status: criteria provided, multiple submitters, no conflicts (2 of 4 stars). 2 submissions from 2 submitters: Uncertain significance (2). Last evaluated 2025-07-31.

Conditions:
Perlman syndrome (PRLMNS). Identifiers: Orphanet 2849, MedGen C0796113, MONDO:0009965, OMIM 267000.

Allele frequency attached by ClinVar (database versions not stated): TOPMed below 0.00001; gnomAD 0.00001; gnomAD exomes 0.00001.
gnomAD v4.1: 8 of 1,610,750 alleles (0.0005%); highest among the groups gnomAD compares: Non-Finnish European, 0.00068%; no homozygotes.

Submissions (2):

Labcorp Genetics (formerly Invitae), Labcorp
Classification: Uncertain significance for Perlman syndrome. Last evaluated: 2025-07-31. Review status: criteria provided, single submitter. Criteria: Invitae Variant Classification Sherloc (09022015). Collection method: clinical testing. Allele origin: germline.
Comment: This sequence change replaces glutamine, which is neutral and polar, with glutamic acid, which is acidic and polar, at codon 780 of the DIS3L2 protein (p.Gln780Glu). This variant is not present in population databases (gnomAD no frequency). This variant has not been reported in the literature in individuals affected with DIS3L2-related conditions. ClinVar contains an entry for this variant (Variation ID: 855180). Invitae Evidence Modeling of protein sequence and biophysical properties (such as structural, functional, and spatial information, amino acid conservation, physicochemical variation, residue mobility, and thermodynamic stability) indicates that this missense variant is not expected to disrupt DIS3L2 protein function with a negative predictive value of 80%. In summary, the available evidence is currently insufficient to determine the role of this variant in disease. Therefore, it has been classified as a Variant of Uncertain Significance.

Dasa
Classification: Uncertain significance. Last evaluated: 2025-05-22. Review status: criteria provided, single submitter. Criteria: DASA Assertion Criteria. Collection method: clinical testing. Allele origin: germline.
Comment: NM_152383.5(DIS3L2):c.2338C>G (p.Gln780Glu) is a missense variant that results in the substitution of glutamine with glutamic acid. This variant is rare in population databases. Computational prediction algorithms are consistent with a benign effect. The currently available literature and clinical evidence are not sufficient to establish a definitive association between this variant and the reported condition. Therefore, this variant is classified as a variant of uncertain significance.